The following is an entry in ClinVar:

ClinVar aggregate classification (germline): Uncertain significance (1 of 4 stars; one submission).

Conditions:
Early-infantile DEE. Also called: Ohtahara syndrome; Early infantile epileptic encephalopathy; Early infantile epileptic encephalopathy with suppression bursts. Identifiers: Orphanet 1934, MedGen C0393706, MONDO:0800491.

Allele frequency attached by ClinVar (database versions not stated): gnomAD 0.00001.
gnomAD v4.1: 1 of 1,614,058 alleles (0.000062%); highest among the groups gnomAD compares: African/African-American, 0.0013%; no homozygotes.

Submission:

Labcorp Genetics (formerly Invitae), Labcorp
Classification: Uncertain significance for Early-infantile DEE. Last evaluated: 2024-01-25. Review status: criteria provided, single submitter. Criteria: Invitae Variant Classification Sherloc (09022015). Collection method: clinical testing. Allele origin: germline.
Comment: This sequence change replaces aspartic acid, which is acidic and polar, with glutamic acid, which is acidic and polar, at codon 593 of the SCN1A protein (p.Asp593Glu). This variant is present in population databases (no rsID available, gnomAD 0.01%). This variant has not been reported in the literature in individuals affected with SCN1A-related conditions. ClinVar contains an entry for this variant (Variation ID: 1517389). Advanced modeling of protein sequence and biophysical properties (such as structural, functional, and spatial information, amino acid conservation, physicochemical variation, residue mobility, and thermodynamic stability) performed at Invitae indicates that this missense variant is expected to disrupt SCN1A protein function with a positive predictive value of 80%. In summary, the available evidence is currently insufficient to determine the role of this variant in disease. Therefore, it has been classified as a Variant of Uncertain Significance.

NM_001165963.4(SCN1A):c.1779T>G (p.Asp593Glu)

Gene: SCN1A (sodium voltage-gated channel alpha subunit 1; minus strand). Cytogenetic location: 2q24.3.
Variant type: single nucleotide variant.
Coding change: c.1779T>G on transcript NM_001165963.4 (MANE Select); coding-DNA position 1779, T replaced by G.
Protein change: p.Asp593Glu; replaces aspartic acid 593 with glutamic acid.
Molecular consequence: missense variant. On other transcripts: 5 prime UTR variant (1), non-coding transcript variant (1).
Genome position (GRCh38, 1-based): chr2:166,043,933, A>C on the plus strand (T>G on the coding strand, the complement: SCN1A is on the minus strand). VCF-style: chr2-166043933-A-C. GRCh37 (hg19) VCF-style: chr2-166900443-A-C.
Other names: c.1779T>G, p.Asp593Glu (NM_001165964.3, NM_001202435.3, NM_001353948.2 and 7 more transcripts); c.1776T>G, p.Asp592Glu (NM_001353954.2, NM_001353955.2, NM_001353960.2); c.-647T>G (NM_001353961.2); short protein forms D592E, D593E.
Identifiers: ClinVar variation 1517389 (VCV001517389.9), dbSNP rs1201949487, ClinGen allele CA349067720.